The following is an entry in ClinVar:

ClinVar aggregate classification (germline): Uncertain significance (1 of 4 stars; one submission).

Allele frequency attached by ClinVar (database versions not stated): gnomAD exomes below 0.00001; TOPMed 0.00002.
gnomAD v4.1: 1 of 1,613,928 alleles (0.000062%); highest among the groups gnomAD compares: Non-Finnish European, 0.000085%; no homozygotes.

Submission:

Labcorp Genetics (formerly Invitae), Labcorp
Classification: Uncertain significance. Last evaluated: 2023-03-18. Review status: criteria provided, single submitter. Criteria: Invitae Variant Classification Sherloc (09022015). Collection method: clinical testing. Allele origin: germline.
Comment: This sequence change replaces threonine, which is neutral and polar, with alanine, which is neutral and non-polar, at codon 52 of the ADNP protein (p.Thr52Ala). This variant is not present in population databases (gnomAD no frequency). This variant has not been reported in the literature in individuals affected with ADNP-related conditions. An algorithm developed to predict the effect of missense changes on protein structure and function (PolyPhen-2) suggests that this variant is likely to be tolerated. In summary, the available evidence is currently insufficient to determine the role of this variant in disease. Therefore, it has been classified as a Variant of Uncertain Significance.

NM_001282531.3(ADNP):c.154A>G (p.Thr52Ala)

Gene: ADNP (activity dependent neuroprotector homeobox; minus strand). Cytogenetic location: 20q13.13.
Variant type: single nucleotide variant.
Coding change: c.154A>G on transcript NM_001282531.3 (MANE Select); coding-DNA position 154, A replaced by G.
Protein change: p.Thr52Ala; replaces threonine 52 with alanine.
Molecular consequence: missense variant.
Genome position (GRCh38, 1-based): chr20:50,902,064, T>C on the plus strand (A>G on the coding strand, the complement: ADNP is on the minus strand). VCF-style: chr20-50902064-T-C. GRCh37 (hg19) VCF-style: chr20-49518601-T-C.
Other names: c.154A>G, p.Thr52Ala (NM_001282532.2, NM_001347511.2, NM_015339.5 and 1 more transcripts); short protein forms T52A.
Identifiers: ClinVar variation 2847161 (VCV002847161.3), dbSNP rs997944825, ClinGen allele CA315264421.
Genomic context (GRCh38, chr20:50,902,064, plus strand): 5'-CTGTGCCACTTACCTGGTTTTTCGTAAGTGATGGGTCCCACAGTCCTACATCCTCCCATG[T>C]AGTGTTTTTCAAATAAAAGTCATTAGGTTCAAATTGTTTAAAATCCTAGAAAACAGTGAA-3'
Protein context (NP_001269460.1, residues 42-62): EPNDFYLKNT[Thr52Ala]WEDVGLWDPS